The following is an entry in ClinVar:

NM_001164508.2(NEB):c.4595C>A (p.Ala1532Asp)

Gene: NEB (nebulin; minus strand). Cytogenetic location: 2q23.3.
Variant type: single nucleotide variant.
Coding change: c.4595C>A on transcript NM_001164508.2 (MANE Select); coding-DNA position 4595, C replaced by A.
Protein change: p.Ala1532Asp; replaces alanine 1532 with aspartic acid.
Molecular consequence: missense variant.
Genome position (GRCh38, 1-based): chr2:151,669,043, G>T on the plus strand (C>A on the coding strand, the complement: NEB is on the minus strand). VCF-style: chr2-151669043-G-T. GRCh37 (hg19) VCF-style: chr2-152525557-G-T.
Other names: c.4595C>A, p.Ala1532Asp (NM_001164507.2, NM_001271208.2, NM_004543.5); short protein forms A1532D.
Identifiers: ClinVar variation 465606 (VCV000465606.2), dbSNP rs1456966310, ClinGen allele CA348814965.
Genomic context (GRCh38, chr2:151,669,043, plus strand): 5'-GAGAGGCCCGCATACGCAATATTAGCACTGGGCCAAATACTCACATCACTCATGTTGAGG[G>T]CGTTGACTTTGGCTTGAATAAACTGAGGCAATTCAGGGTCAATAGTATACTTGTGCTTCA-3'
Protein context (NP_001157980.2, residues 1522-1542): LPQFIQAKVN[Ala1532Asp]LNMSDAHYKA

ClinVar aggregate classification (germline): Uncertain significance (1 of 4 stars; one submission).

Conditions:
Nemaline myopathy 2 (NEM2). Also called: Nemaline myopathy 2, autosomal recessive. Identifiers: MedGen C1850569, MONDO:0009725, OMIM 256030.

Allele frequency attached by ClinVar (database versions not stated): gnomAD exomes below 0.00001.
gnomAD v4.1: 5 of 1,592,796 alleles (0.00031%); highest among the groups gnomAD compares: Admixed American, 0.0017%; no homozygotes.

Submission:

Labcorp Genetics (formerly Invitae), Labcorp
Classification: Uncertain significance for Nemaline myopathy 2. Last evaluated: 2021-08-27. Review status: criteria provided, single submitter. Criteria: Invitae Variant Classification Sherloc (09022015). Collection method: clinical testing. Allele origin: germline.
Comment: This sequence change replaces alanine with aspartic acid at codon 1532 of the NEB protein (p.Ala1532Asp). The alanine residue is moderately conserved and there is a moderate physicochemical difference between alanine and aspartic acid. This variant is not present in population databases (ExAC no frequency). This variant has not been reported in the literature in individuals affected with NEB-related conditions. Algorithms developed to predict the effect of missense changes on protein structure and function are either unavailable or do not agree on the potential impact of this missense change (SIFT: "Deleterious"; PolyPhen-2: "Not Available"; Align-GVGD: "Class C0"). In summary, the available evidence is currently insufficient to determine the role of this variant in disease. Therefore, it has been classified as a Variant of Uncertain Significance.